The following is an entry in ClinVar:

ClinVar aggregate classification (germline): Uncertain significance (1 of 4 stars; one submission).

Conditions:
Haddad syndrome (OHD). Also called: Ondine-Hirschsprung disease. Identifiers: Orphanet 99803, MedGen C1859049, MONDO:0020493.

Submission:

Labcorp Genetics (formerly Invitae), Labcorp
Classification: Uncertain significance for Haddad syndrome. Last evaluated: 2022-08-29. Review status: criteria provided, single submitter. Criteria: Invitae Variant Classification Sherloc (09022015). Collection method: clinical testing. Allele origin: germline.
Comment: This variant has not been reported in the literature in individuals affected with PHOX2B-related conditions. Algorithms developed to predict the effect of missense changes on protein structure and function (SIFT, PolyPhen-2, Align-GVGD) all suggest that this variant is likely to be disruptive. In summary, the available evidence is currently insufficient to determine the role of this variant in disease. Therefore, it has been classified as a Variant of Uncertain Significance. This sequence change replaces alanine, which is neutral and non-polar, with proline, which is neutral and non-polar, at codon 80 of the PHOX2B protein (p.Ala80Pro). This variant is not present in population databases (gnomAD no frequency).

NM_003924.4(PHOX2B):c.238G>C (p.Ala80Pro)

Genes: PHOX2B (paired like homeobox 2B; minus strand), PHOX2B-AS1 (PHOX2B antisense RNA 1; plus strand). Cytogenetic location: 4p13.
Variant type: single nucleotide variant.
Coding change: c.238G>C on transcript NM_003924.4 (MANE Select); coding-DNA position 238, G replaced by C.
Protein change: p.Ala80Pro; replaces alanine 80 with proline.
Molecular consequence: missense variant.
Genome position (GRCh38, 1-based): chr4:41,748,373, C>G on the plus strand (G>C on the coding strand, the complement: PHOX2B is on the minus strand). VCF-style: chr4-41748373-C-G. GRCh37 (hg19) VCF-style: chr4-41750390-C-G.
Other names: short protein forms A80P.
Identifiers: ClinVar variation 1718297 (VCV001718297.6), dbSNP rs550472167, ClinGen allele CA356740750.